The following is an entry in ClinVar:

NM_017433.5(MYO3A):c.2099A>T (p.His700Leu)

Gene: MYO3A (myosin IIIA; plus strand). Cytogenetic location: 10p12.1.
Variant type: single nucleotide variant.
Coding change: c.2099A>T on transcript NM_017433.5 (MANE Select); coding-DNA position 2099, A replaced by T.
Protein change: p.His700Leu; replaces histidine 700 with leucine.
Molecular consequence: missense variant.
Genome position (GRCh38, 1-based): chr10:26,125,593, A>T. VCF-style: chr10-26125593-A-T. GRCh37 (hg19) VCF-style: chr10-26414522-A-T.
Other names: short protein forms H700L.
Identifiers: ClinVar variation 4691892 (VCV004691892.1).

ClinVar aggregate classification (germline): Uncertain significance (1 of 4 stars; one submission).

gnomAD v4.1: 46 of 1,613,886 alleles (0.0029%); highest among the groups gnomAD compares: Non-Finnish European, 0.0036%; no homozygotes.

Submission:

Labcorp Genetics (formerly Invitae), Labcorp
Classification: Uncertain significance. Last evaluated: 2025-10-05. Review status: criteria provided, single submitter. Criteria: Invitae Variant Classification Sherloc (09022015). Collection method: clinical testing. Allele origin: germline.
Comment: This sequence change replaces histidine, which is basic and polar, with leucine, which is neutral and non-polar, at codon 700 of the MYO3A protein (p.His700Leu). This variant is present in population databases (rs750215936, gnomAD 0.003%). This variant has not been reported in the literature in individuals affected with MYO3A-related conditions. Invitae Evidence Modeling of protein sequence and biophysical properties (such as structural, functional, and spatial information, amino acid conservation, physicochemical variation, residue mobility, and thermodynamic stability) indicates that this missense variant is not expected to disrupt MYO3A protein function with a negative predictive value of 80%. In summary, the available evidence is currently insufficient to determine the role of this variant in disease. Therefore, it has been classified as a Variant of Uncertain Significance.